The following is an entry in ClinVar:

NM_022356.4(P3H1):c.332G>A (p.Gly111Glu)

Gene: P3H1 (prolyl 3-hydroxylase 1; minus strand). Cytogenetic location: 1p34.2.
Variant type: single nucleotide variant.
Coding change: c.332G>A on transcript NM_022356.4 (MANE Select); coding-DNA position 332, G replaced by A.
Protein change: p.Gly111Glu; replaces glycine 111 with glutamic acid.
Molecular consequence: missense variant.
Genome position (GRCh38, 1-based): chr1:42,766,640, C>T on the plus strand (G>A on the coding strand, the complement: P3H1 is on the minus strand). VCF-style: chr1-42766640-C-T. GRCh37 (hg19) VCF-style: chr1-43232311-C-T.
Other names: c.332G>A, p.Gly111Glu (NM_001146289.2, NM_001243246.2); c.332G>A (NM_022356.3); short protein forms G111E.
Identifiers: ClinVar variation 1475956 (VCV001475956.6), dbSNP rs763732280, ClinGen allele CA339963647.

ClinVar aggregate classification (germline): Uncertain significance. Review status: criteria provided, multiple submitters, no conflicts (2 of 4 stars). 2 submissions from 2 submitters: Uncertain significance (2). Last evaluated 2025-06-07.

Conditions:
Inborn genetic diseases. Identifiers: MedGen C0950123, MeSH D030342.
Osteogenesis imperfecta type 8 (OI8). Identifiers: MedGen C1970458, MONDO:0012581, OMIM 610915.

gnomAD v4.1: 2 of 1,586,114 alleles (0.00013%); highest among the groups gnomAD compares: Non-Finnish European, 0.00017%; no homozygotes.

Submissions (2):

Ambry Genetics
Classification: Uncertain significance for Inborn genetic diseases. Last evaluated: 2025-06-07. Review status: criteria provided, single submitter. Criteria: Ambry Variant Classification Scheme 2023. Collection method: clinical testing. Allele origin: germline.

Labcorp Genetics (formerly Invitae), Labcorp
Classification: Uncertain significance for Osteogenesis imperfecta type 8. Last evaluated: 2021-09-01. Review status: criteria provided, single submitter. Criteria: Invitae Variant Classification Sherloc (09022015). Collection method: clinical testing. Allele origin: germline.
Comment: This sequence change replaces glycine with glutamic acid at codon 111 of the P3H1 protein (p.Gly111Glu). The glycine residue is weakly conserved and there is a moderate physicochemical difference between glycine and glutamic acid. This variant is not present in population databases (ExAC no frequency). This variant has not been reported in the literature in individuals affected with P3H1-related conditions. Algorithms developed to predict the effect of missense changes on protein structure and function (SIFT, PolyPhen-2, Align-GVGD) all suggest that this variant is likely to be tolerated. In summary, the available evidence is currently insufficient to determine the role of this variant in disease. Therefore, it has been classified as a Variant of Uncertain Significance.